The following is an entry in ClinVar:

ClinVar aggregate classification (germline): Conflicting classifications of pathogenicity. Review status: criteria provided, conflicting classifications (1 of 4 stars). 2 submissions from 2 submitters: Uncertain significance (1); Likely benign (1). Last evaluated 2023-12-14.

Submissions (2):

Labcorp Genetics (formerly Invitae), Labcorp
Classification: Likely benign. Last evaluated: 2023-12-14. Review status: criteria provided, single submitter. Criteria: Invitae Variant Classification Sherloc (09022015). Collection method: clinical testing. Allele origin: germline.

Quest Diagnostics Nichols Institute San Juan Capistrano
Classification: Uncertain significance. Last evaluated: 2023-01-10. Review status: criteria provided, single submitter. Criteria: Quest Diagnostics criteria. Collection method: clinical testing. Allele origin: unknown.
Comment: To the best of our knowledge, the variant has not been reported in the published literature. Analysis of this variant using software algorithms for the prediction of the effect of nucleotide changes on splicing yielded predictions that this variant does not affect HBB mRNA splicing . Based on the available information, we are unable to determine the clinical significance of this variant.

NM_000518.5(HBB):c.316-100T>A

Genes: HBB (hemoglobin subunit beta; minus strand), LOC107133510 (origin of replication at HBB; plus strand), LOC110006319 (beta-globin gene 3' regulatory region; plus strand). Cytogenetic location: 11p15.4.
Variant type: single nucleotide variant.
Coding change: c.316-100T>A on transcript NM_000518.5 (MANE Select); 100 bases into the intron before coding-DNA position 316, T replaced by A.
Molecular consequence: intron variant.
Genome position (GRCh38, 1-based): chr11:5,225,826, A>T on the plus strand (T>A on the coding strand, the complement: HBB is on the minus strand). VCF-style: chr11-5225826-A-T. GRCh37 (hg19) VCF-style: chr11-5247056-A-T.
Other names: c.316-100T>A (NM_000518.4).
Identifiers: ClinVar variation 1148938 (VCV001148938.10), dbSNP rs1847534694, ClinGen allele CA2499221003.